The following is an entry in ClinVar:

ClinVar aggregate classification (germline): Pathogenic (1 of 4 stars; one submission).

Conditions:
Ehlers-Danlos syndrome due to tenascin-X deficiency (EDSCLL1). Also called: EDS DUE TO TNX DEFICIENCY; TNX DEFICIENCY; Ehlers-Danlos syndrome, classic-like, 1; EHLERS-DANLOS SYNDROME, CLASSIC-LIKE; TNXB-Related Classical-Like Ehlers-Danlos Syndrome. Identifiers: Orphanet 230839, MedGen C1848029, MONDO:0011670, OMIM 606408.

Submission:

Myriad Genetics, Inc.
Classification: Pathogenic for Ehlers-Danlos syndrome due to tenascin-X deficiency. Last evaluated: 2026-02-18. Review status: criteria provided, single submitter. Criteria: Myriad Autosomal Dominant, Autosomal Recessive and X-Linked Classification Criteria (2023). Collection method: clinical testing. Allele origin: unknown.
Comment: NM_019105.6(TNXB):c.9341C>G(S3114*) is expected to be pathogenic in the context of classical-like Ehlers-Danlos syndrome, TNXB-related. This variant is predicted to lead to an abnormal or absent protein product due to the creation of a premature termination codon in TNXB, a gene where loss-of-function variants are known to be pathogenic. Please note: this variant was assessed in the context of healthy population screening.

NM_001365276.2(TNXB):c.9347C>G (p.Ser3116Ter)

Gene: TNXB (tenascin XB; minus strand). Cytogenetic location: 6p21.33.
Variant type: single nucleotide variant.
Coding change: c.9347C>G on transcript NM_001365276.2 (MANE Select); coding-DNA position 9347, C replaced by G.
Protein change: p.Ser3116Ter; replaces serine 3116 with a stop codon.
Molecular consequence: nonsense.
Genome position (GRCh38, 1-based): chr6:32,050,090, G>C on the plus strand (C>G on the coding strand, the complement: TNXB is on the minus strand). VCF-style: chr6-32050090-G-C. GRCh37 (hg19) VCF-style: chr6-32017867-G-C.
Other names: c.10088C>G, p.Ser3363Ter (NM_001428335.1); c.9341C>G, p.Ser3114Ter (NM_019105.8); short protein forms S3114*, S3116*, S3363*.
Identifiers: ClinVar variation 5015571 (VCV005015571.1).
Genomic context (GRCh38, chr6:32,050,090, plus strand): 5'-CGCTGGCCACCGTGGAAGCCGTACAGGTTCATCTTGTATTTATGGTCTGGCTCCAGGCCT[G>C]AGATGGTGACCCCGTCCTCGTGCCCCGGCACCCGCACCGCCTTGGGCTGCCCATCCCCAT-3'